The following is an entry in ClinVar:

ClinVar aggregate classification (germline): Uncertain significance (1 of 4 stars; one submission).

Allele frequency attached by ClinVar (database versions not stated): gnomAD exomes below 0.00001; ExAC 0.00001.
gnomAD v4.1: 1 of 1,614,014 alleles (0.000062%); highest among the groups gnomAD compares: Non-Finnish European, 0.000085%; no homozygotes.

Submission:

GeneDx
Classification: Uncertain significance. Last evaluated: 2022-11-22. Review status: criteria provided, single submitter. Criteria: GeneDx Variant Classification Process June 2021. Collection method: clinical testing. Allele origin: germline. Affected: yes.
Comment: Has not been previously published in patients with neurodevelopmental disorders to our knowledge; In silico analysis supports that this missense variant has a deleterious effect on protein structure/function; Functional assays do not suggest that this variant impairs protein function (Gorvin et al., 2018); This variant is associated with the following publications: (PMID: 29325022)

NM_004069.6(AP2S1):c.182G>A (p.Arg61His)

Gene: AP2S1 (adaptor related protein complex 2 subunit sigma 1; minus strand). Cytogenetic location: 19q13.32.
Variant type: single nucleotide variant.
Coding change: c.182G>A on transcript NM_004069.6 (MANE Select); coding-DNA position 182, G replaced by A.
Protein change: p.Arg61His; replaces arginine 61 with histidine.
Molecular consequence: missense variant. On other transcripts: intron variant (1).
Genome position (GRCh38, 1-based): chr19:46,839,550, C>T on the plus strand (G>A on the coding strand, the complement: AP2S1 is on the minus strand). VCF-style: chr19-46839550-C-T. GRCh37 (hg19) VCF-style: chr19-47342807-C-T.
Other names: c.230G>A, p.Arg77His (NM_001301076.3); c.224G>A, p.Arg75His (NM_001301078.3); c.188G>A, p.Arg63His (NM_001301081.3); c.154-751G>A (NM_021575.5); short protein forms R61H, R63H, R75H, R77H.
Identifiers: ClinVar variation 2502631 (VCV002502631.1), dbSNP rs754997253, ClinGen allele CA9532964.